The following is an entry in ClinVar:

NM_001039591.3(USP9X):c.3485T>C (p.Ile1162Thr)

Gene: USP9X (ubiquitin specific peptidase 9 X-linked; plus strand). Cytogenetic location: Xp11.4.
Variant type: single nucleotide variant.
Coding change: c.3485T>C on transcript NM_001039591.3 (MANE Select); coding-DNA position 3485, T replaced by C.
Protein change: p.Ile1162Thr; replaces isoleucine 1162 with threonine.
Molecular consequence: missense variant.
Genome position (GRCh38, 1-based): chrX:41,184,602, T>C. VCF-style: chrX-41184602-T-C. GRCh37 (hg19) VCF-style: chrX-41043855-T-C.
Other names: c.3485T>C, p.Ile1162Thr (NM_001039590.3); c.3500T>C, p.Ile1167Thr (NM_001410748.1, NM_001410749.1, NM_001437534.1); short protein forms I1162T, I1167T.
Identifiers: ClinVar variation 4281776 (VCV004281776.1).

ClinVar aggregate classification (germline): Uncertain significance (1 of 4 stars; one submission).

Submission:

GeneDx
Classification: Uncertain significance. Last evaluated: 2025-04-09. Review status: criteria provided, single submitter. Criteria: GeneDx Variant Classification Process June 2021. Collection method: clinical testing. Allele origin: germline. Affected: yes.
Comment: Not observed at significant frequency in large population cohorts (gnomAD); In silico analysis indicates that this missense variant does not alter protein structure/function; Has not been previously published as pathogenic or benign to our knowledge